The following is an entry in ClinVar:

NM_001005361.3(DNM2):c.776T>C (p.Phe259Ser)

Gene: DNM2 (dynamin 2; plus strand). Cytogenetic location: 19p13.2.
Variant type: single nucleotide variant.
Coding change: c.776T>C on transcript NM_001005361.3 (MANE Select); coding-DNA position 776, T replaced by C.
Protein change: p.Phe259Ser; replaces phenylalanine 259 with serine.
Molecular consequence: missense variant.
Genome position (GRCh38, 1-based): chr19:10,783,047, T>C. VCF-style: chr19-10783047-T-C. GRCh37 (hg19) VCF-style: chr19-10893723-T-C.
Other names: c.776T>C, p.Phe259Ser (NM_001005360.3, NM_001005362.3, NM_001190716.2 and 1 more transcripts); short protein forms F259S.
Identifiers: ClinVar variation 2850237 (VCV002850237.3), dbSNP rs2513183060, ClinGen allele CA404045283.

ClinVar aggregate classification (germline): Uncertain significance (1 of 4 stars; one submission).

Conditions:
Charcot-Marie-Tooth disease dominant intermediate B (CMTDIB). Also called: CHARCOT-MARIE-TOOTH NEUROPATHY, DOMINANT INTERMEDIATE B; Charcot-Marie-Tooth disease dominant intermediate 1; CMT DI1; Charcot-Marie-Tooth disease dominant intermediate I. Identifiers: Orphanet 100044, Orphanet 228179, MedGen C1847902, MONDO:0011674, OMIM 606482.

Submission:

Labcorp Genetics (formerly Invitae), Labcorp
Classification: Uncertain significance for Charcot-Marie-Tooth disease dominant intermediate B. Last evaluated: 2023-03-27. Review status: criteria provided, single submitter. Criteria: Invitae Variant Classification Sherloc (09022015). Collection method: clinical testing. Allele origin: germline.
Comment: In summary, the available evidence is currently insufficient to determine the role of this variant in disease. Therefore, it has been classified as a Variant of Uncertain Significance. Advanced modeling of protein sequence and biophysical properties (such as structural, functional, and spatial information, amino acid conservation, physicochemical variation, residue mobility, and thermodynamic stability) has been performed at Invitae for this missense variant, however the output from this modeling did not meet the statistical confidence thresholds required to predict the impact of this variant on DNM2 protein function. This variant has not been reported in the literature in individuals affected with DNM2-related conditions. This variant is not present in population databases (gnomAD no frequency). This sequence change replaces phenylalanine, which is neutral and non-polar, with serine, which is neutral and polar, at codon 259 of the DNM2 protein (p.Phe259Ser).